The following is an entry in ClinVar:

NM_001365951.3(KIF1B):c.2115+6625G>A

Gene: KIF1B (kinesin family member 1B; plus strand). Cytogenetic location: 1p36.22.
Variant type: single nucleotide variant.
Coding change: c.2115+6625G>A on transcript NM_001365951.3 (MANE Select); 6625 bases into the intron after coding-DNA position 2115, G replaced by A.
Molecular consequence: intron variant. On other transcripts: missense variant (2).
Genome position (GRCh38, 1-based): chr1:10,303,871, G>A. VCF-style: chr1-10303871-G-A. GRCh37 (hg19) VCF-style: chr1-10363929-G-A.
Other names: c.2686G>A (NM_183416.3); c.2686G>A, p.Gly896Arg (NM_001365953.1, NM_183416.4); c.1977+6625G>A (NM_015074.3); c.2115+6625G>A (NM_001365952.1); short protein forms G896R.
Identifiers: ClinVar variation 284228 (VCV000284228.17), dbSNP rs145248590, ClinGen allele CA581287.

ClinVar aggregate classification (germline): Conflicting classifications of pathogenicity. Review status: criteria provided, conflicting classifications (1 of 4 stars). 5 submissions from 5 submitters: Uncertain significance (1); Benign (1); Likely benign (1). 2 of the submissions do not count toward it. Last evaluated 2025-08-01.

Conditions:
KIF1B-related disorder. Also called: KIF1B-related condition.

Allele frequency attached by ClinVar (database versions not stated): gnomAD exomes 0.00013 and 0.00028; ExAC 0.00028; ESP Exome Variant Server 0.00085; gnomAD 0.00115 and 0.00129; 1000 Genomes Project 0.00120; TOPMed 0.00129; 1000 Genomes Project 30x 0.00141.
gnomAD v4.1: 380 of 1,614,200 alleles (0.024%); highest among the groups gnomAD compares: African/African-American, 0.43%; 1 homozygote.

Submissions (5):

CeGaT Center for Human Genetics Tuebingen
Classification: Benign. Last evaluated: 2025-08-01. Review status: criteria provided, single submitter. Criteria: CeGaT Center For Human Genetics Tuebingen Variant Classification Criteria Version 2. Collection method: clinical testing. Allele origin: germline. Affected: yes. Observed: 1 variant allele.
Comment: KIF1B: BP4, BS1, BS2

Blueprint Genetics
Classification: Likely benign. Last evaluated: 2024-05-29. Review status: criteria provided, single submitter. Criteria: ACMG Guidelines, 2015. Collection method: clinical testing. Allele origin: germline.

Eurofins Ntd Llc (ga)
Classification: Uncertain significance. Last evaluated: 2015-11-18. Review status: criteria provided, single submitter. Criteria: EGL Classification Definitions 2015. Collection method: clinical testing. Allele origin: germline. Observed: 1 variant allele, 1 heterozygote.

PreventionGenetics, part of Exact Sciences
Classification: Likely benign for KIF1B-related condition. Last evaluated: 2019-07-05. Review status: no assertion criteria provided. Collection method: clinical testing. Allele origin: germline. Not counted in ClinVar's aggregate classification.
Comment: This variant is classified as likely benign based on ACMG/AMP sequence variant interpretation guidelines (Richards et al. 2015 PMID: 25741868, with internal and published modifications).

Department of Pathology and Laboratory Medicine, Sinai Health System
Classification: Likely benign. Review status: no assertion criteria provided. Collection method: clinical testing. Allele origin: unknown. Affected: yes. Study: The Canadian Open Genetics Repository (COGR). Not counted in ClinVar's aggregate classification.
Comment: The KIF1B p.G896R variant was not identified in the literature but was identified in dbSNP (ID: rs145248590) and ClinVar (classified as uncertain significance by EGL Genetic Diagnostics). The variant was identified in control databases in 118 of 282332 chromosomes (1 homozygous) at a frequency of 0.0004179, and was observed at the highest frequency in the African population in 99 of 24916 chromosomes (freq: 0.003973) (Genome Aggregation Database March 6, 2019, v2.1.1). The p.G896 residue is conserved in mammals however computational analyses (MUT Assesor, PolyPhen-2, SIFT, MutationTaster, Revel, FATHMM, MetaLR, DANN) do not suggest a high likelihood of impact to the protein; however this information is not predictive enough to assume pathogenicity. In summary, based on the above information the clinical significance of this variant cannot be determined with certainty at this time although we would lean towards a more benign role for this variant. This variant is classified as likely benign.